The following is an entry in ClinVar:

NM_000493.4(COL10A1):c.1875T>C (p.Tyr625=)

Genes: COL10A1 (collagen type X alpha 1 chain; minus strand), NT5DC1 (5'-nucleotidase domain containing 1; plus strand). Cytogenetic location: 6q22.1.
Variant type: single nucleotide variant.
Coding change: c.1875T>C on transcript NM_000493.4 (MANE Select); coding-DNA position 1875, T replaced by C.
Protein change: p.Tyr625=; no amino-acid change (tyrosine 625 retained).
Molecular consequence: synonymous variant. On other transcripts: intron variant (1).
Genome position (GRCh38, 1-based): chr6:116,120,241, A>G on the plus strand (T>C on the coding strand, the complement: COL10A1 is on the minus strand). VCF-style: chr6-116120241-A-G. GRCh37 (hg19) VCF-style: chr6-116441404-A-G.
Other names: c.1875T>C, p.Tyr625= (NM_001424106.1, NM_001424107.1); c.529+2296A>G (NM_152729.3).
Identifiers: ClinVar variation 905709 (VCV000905709.7), dbSNP rs748777581, ClinGen allele CA3968099.
Genomic context (GRCh38, chr6:116,120,241, plus strand): 5'-TGTGAGATCGATGATGGCACTCCCTGAAGCCTGATCCAGGTAGCCTTTGGTGTATTCATC[A>G]TAGGTGTACATTACAGGGGTGCCATTCTTATACAGGCCTACCCAAACATGAGTCCCTTTC-3'
Protein context (NP_000484.2, residues 615-635): YKNGTPVMYT[Tyr625=]DEYTKGYLDQ

ClinVar aggregate classification (germline): Benign/Likely benign. Review status: criteria provided, multiple submitters, no conflicts (2 of 4 stars). 2 submissions from 2 submitters: Benign (1); Likely benign (1). Last evaluated 2025-07-30.

Conditions:
Metaphyseal chondrodysplasia, Schmid type (MCDS). Also called: SPONDYLOMETAPHYSEAL DYSPLASIA, JAPANESE TYPE. Identifiers: Orphanet 174, MedGen C0265289, MONDO:0007983, OMIM 156500.

Allele frequency attached by ClinVar (database versions not stated): gnomAD exomes 0.00002 and 0.00008; gnomAD 0.00004; ExAC 0.00005; TOPMed 0.00006.
gnomAD v4.1: 28 of 1,614,094 alleles (0.0017%); highest among the groups gnomAD compares: Admixed American, 0.043%; no homozygotes.

Submissions (2):

Labcorp Genetics (formerly Invitae), Labcorp
Classification: Likely benign. Last evaluated: 2025-07-30. Review status: criteria provided, single submitter. Criteria: Invitae Variant Classification Sherloc (09022015). Collection method: clinical testing. Allele origin: germline.

Illumina Laboratory Services, Illumina
Classification: Benign for Metaphyseal chondrodysplasia, Schmid type. Last evaluated: 2018-01-13. Review status: criteria provided, single submitter. Criteria: ICSL Variant Classification Criteria 13 December 2019. Collection method: clinical testing. Allele origin: germline.
Comment: This variant was observed in the ICSL laboratory as part of a predisposition screen in an ostensibly healthy population. It had not been previously curated by ICSL or reported in the Human Gene Mutation Database (HGMD: prior to June 1st, 2018), and was therefore a candidate for classification through an automated scoring system. Utilizing variant allele frequency, disease prevalence and penetrance estimates, and inheritance mode, an automated score was calculated to assess if this variant is too frequent to cause the disease. Based on the score and internal cut-off values, a variant classified as benign is not then subjected to further curation. The score for this variant resulted in a classification of benign for this disease.